The following is an entry in ClinVar:

NM_000158.4(GBE1):c.1205C>T (p.Thr402Met)

Gene: GBE1 (1,4-alpha-glucan branching enzyme 1; minus strand). Cytogenetic location: 3p12.2.
Variant type: single nucleotide variant.
Coding change: c.1205C>T on transcript NM_000158.4 (MANE Select); coding-DNA position 1205, C replaced by T.
Protein change: p.Thr402Met; replaces threonine 402 with methionine.
Molecular consequence: missense variant.
Genome position (GRCh38, 1-based): chr3:81,591,068, G>A on the plus strand (C>T on the coding strand, the complement: GBE1 is on the minus strand). VCF-style: chr3-81591068-G-A. GRCh37 (hg19) VCF-style: chr3-81640219-G-A.
Other names: short protein forms T402M.
Identifiers: ClinVar variation 1430974 (VCV001430974.8), dbSNP rs751619568, ClinGen allele CA2499765.

ClinVar aggregate classification (germline): Uncertain significance. Review status: criteria provided, multiple submitters, no conflicts (2 of 4 stars). 2 submissions from 2 submitters: Uncertain significance (2). Last evaluated 2024-06-03.

Conditions:
Glycogen storage disease IV, classic hepatic. Also called: GSD IV, CLASSIC HEPATIC. Identifiers: MedGen C1856301.
Glycogen storage disease, type IV (GSD4). Also called: AMYLOPECTINOSIS; ANDERSEN DISEASE; BRANCHER DEFICIENCY; CIRRHOSIS, FAMILIAL, WITH DEPOSITION OF ABNORMAL GLYCOGEN; Glycogen storage disease due to glycogen branching enzyme deficiency; GBE1 DEFICIENCY. Identifiers: Orphanet 367, MedGen C0017923, MONDO:0009292, OMIM 232500.

Allele frequency attached by ClinVar (database versions not stated): gnomAD exomes below 0.00001 and 0.00002; ExAC 0.00001; gnomAD 0.00001; TOPMed 0.00002.
gnomAD v4.1: 6 of 1,609,702 alleles (0.00037%); highest among the groups gnomAD compares: Admixed American, 0.005%; no homozygotes.

Submissions (2):

Labcorp Genetics (formerly Invitae), Labcorp
Classification: Uncertain significance for Glycogen storage disease, type IV; Glycogen storage disease IV, classic hepatic. Last evaluated: 2024-06-03. Review status: criteria provided, single submitter. Criteria: Invitae Variant Classification Sherloc (09022015). Collection method: clinical testing. Allele origin: germline.
Comment: This sequence change replaces threonine, which is neutral and polar, with methionine, which is neutral and non-polar, at codon 402 of the GBE1 protein (p.Thr402Met). The frequency data for this variant in the population databases is considered unreliable, as metrics indicate poor data quality at this position in the gnomAD database. This variant has not been reported in the literature in individuals affected with GBE1-related conditions. ClinVar contains an entry for this variant (Variation ID: 1430974). Advanced modeling of protein sequence and biophysical properties (such as structural, functional, and spatial information, amino acid conservation, physicochemical variation, residue mobility, and thermodynamic stability) performed at Invitae indicates that this missense variant is not expected to disrupt GBE1 protein function with a negative predictive value of 95%. In summary, the available evidence is currently insufficient to determine the role of this variant in disease. Therefore, it has been classified as a Variant of Uncertain Significance.

Revvity Omics, Revvity
Classification: Uncertain significance. Last evaluated: 2021-06-28. Review status: criteria provided, single submitter. Criteria: ACMG Guidelines, 2015. Collection method: clinical testing. Allele origin: germline.